The following is an entry in ClinVar:

NM_000059.4(BRCA2):c.8168A>T (p.Asp2723Val)

Gene: BRCA2 (BRCA2 DNA repair associated; plus strand). Cytogenetic location: 13q13.1.
Variant type: single nucleotide variant.
Coding change: c.8168A>T on transcript NM_000059.4 (MANE Select); coding-DNA position 8168, A replaced by T.
Protein change: p.Asp2723Val; replaces aspartic acid 2723 with valine.
Molecular consequence: missense variant.
Genome position (GRCh38, 1-based): chr13:32,363,370, A>T. VCF-style: chr13-32363370-A-T. GRCh37 (hg19) VCF-style: chr13-32937507-A-T.
Other names: NP_000050.3:p.Asp2723Val; short protein forms D2723V.
Identifiers: ClinVar variation 140975 (VCV000140975.48), dbSNP rs41293513, ClinGen allele CA025485.
Genomic context (GRCh38, chr13:32,363,370, plus strand): 5'-CTTCTAGCAATAAAACTAGTAGTGCAGATACCCAAAAAGTGGCCATTATTGAACTTACAG[A>T]TGGGTGGTATGCTGTTAAGGCCCAGTTAGATCCTCCCCTCTTAGCTGTCTTAAAGAATGG-3'
Protein context (NP_000050.3, residues 2713-2733): TQKVAIIELT[Asp2723Val]GWYAVKAQLD

ClinVar aggregate classification (germline): Pathogenic/Likely pathogenic. Review status: criteria provided, multiple submitters, no conflicts (2 of 4 stars). 11 submissions from 11 submitters: Pathogenic (6); Likely pathogenic (2). 3 of the submissions do not count toward it. Last evaluated 2025-01-21.

Conditions:
Breast and/or ovarian cancer. Identifiers: MedGen CN221562.
Genetic non-acquired premature ovarian failure. Identifiers: Orphanet 485382, MedGen C5925042.
Hereditary cancer-predisposing syndrome. Also called: Neoplastic Syndromes, Hereditary; Tumor predisposition; Hereditary Cancer Syndrome; Hereditary neoplastic syndrome. Identifiers: Orphanet 140162, MedGen C0027672, MeSH D009386, MONDO:0015356.
Hereditary breast ovarian cancer syndrome. Also called: Breast and ovarian cancer; Hereditary breast and ovarian cancer; Hereditary breast and/or ovarian cancer syndrome; BRCA1- and BRCA2-Associated Hereditary Breast and Ovarian Cancer; Hereditary breast and ovarian cancer syndrome; Hereditary breast and ovarian cancer syndrome (HBOC). Identifiers: Orphanet 145, MedGen C0677776, MeSH D061325, MONDO:0003582. Disease mechanism: loss of function.
Familial cancer of breast. Also called: BREAST CANCER, FAMILIAL; Hereditary breast cancer; hereditary breast carcinoma. Identifiers: Orphanet 227535, MedGen C0346153, MONDO:0016419, OMIM 114480. Disease mechanism: loss of function.

gnomAD v4.1: 1 of 1,614,162 alleles (0.000062%); highest among the groups gnomAD compares: Non-Finnish European, 0.000085%; no homozygotes.

Submissions (11):

Quest Diagnostics Nichols Institute San Juan Capistrano
Classification: Pathogenic. Last evaluated: 2025-01-21. Review status: criteria provided, single submitter. Criteria: Quest Diagnostics criteria. Collection method: clinical testing. Allele origin: unknown.
Comment: The BRCA2 c.8168A>T (p.Asp2723Val) variant has been reported in the published literature in individuals with breast cancer (PMID: 37719058 (2023), 35464868 (2022)), ovarian cancer (PMID: 36367610 (2023)), and hereditary breast/ovarian cancer syndrome (PMID: 39684258 (2024), 11802209 (2002), 18060494 (2008)). Assessment of experimental evidence suggests this variant results in abnormal protein function (PMID: 35736817 (2022), 33609447 (2021), 29394989 (2018)). This variant has not been reported in large, multi-ethnic general populations (Genome Aggregation Database). Analysis of this variant using bioinformatics tools for the prediction of the effect of amino acid changes on protein structure and function yielded predictions that this variant is damaging. Based on the available information, this variant is classified as pathogenic.

Labcorp Genetics (formerly Invitae), Labcorp
Classification: Pathogenic for Hereditary breast ovarian cancer syndrome. Last evaluated: 2023-10-18. Review status: criteria provided, single submitter. Criteria: Invitae Variant Classification Sherloc (09022015). Collection method: clinical testing. Allele origin: germline.
Comment: This sequence change replaces aspartic acid, which is acidic and polar, with valine, which is neutral and non-polar, at codon 2723 of the BRCA2 protein (p.Asp2723Val). This variant is not present in population databases (gnomAD no frequency). This missense change has been observed in individual(s) with a personal and/or family history of breast and/or ovarian cancer (PMID: 11802209, 18060494, 22505045, 29394989). This variant is also known as 8396A>T. ClinVar contains an entry for this variant (Variation ID: 140975). Advanced modeling performed at Invitae incorporating data from internal and/or published experimental studies (PMID: 33609447) indicates that this missense variant is expected to disrupt BRCA2 function. Experimental studies have shown that this missense change affects BRCA2 function (PMID: 29394989, 29884841). This variant disrupts the p.Asp2723 amino acid residue in BRCA2. Other variant(s) that disrupt this residue have been determined to be pathogenic (PMID: 12601471, 17924331, 21990134, 24052750; Invitae). This suggests that this residue is clinically significant, and that variants that disrupt this residue are likely to be disease-causing. For these reasons, this variant has been classified as Pathogenic.

Baylor Genetics
Classification: Pathogenic for Familial cancer of breast. Last evaluated: 2023-09-21. Review status: criteria provided, single submitter. Criteria: ACMG Guidelines, 2015. Collection method: clinical testing. Allele origin: unknown.

GeneDx
Classification: Pathogenic. Last evaluated: 2023-05-01. Review status: criteria provided, single submitter. Criteria: GeneDx Variant Classification Process June 2021. Collection method: clinical testing. Allele origin: germline. Affected: yes.
Comment: In silico analysis supports that this missense variant has a deleterious effect on protein structure/function; Not observed at significant frequency in large population cohorts (gnomAD); Also known as 8396A>T; This variant is associated with the following publications: (PMID: 11802209, 28888541, 22505045, 29394989, 18060494, 29884841, 33609447, 35736817, 12601471, 24052750, 21990134, 18951461, 17924331, 12228710, 15290653, 35665744, 24323938)

Ambry Genetics
Classification: Pathogenic for Hereditary cancer-predisposing syndrome. Last evaluated: 2023-02-14. Review status: criteria provided, single submitter. Criteria: Ambry Variant Classification Scheme 2023. Collection method: clinical testing. Allele origin: germline.
Comment: The p.D2723V pathogenic mutation (also known as c.8168A>T), located in coding exon 17 of the BRCA2 gene, results from an A to T substitution at nucleotide position 8168. The aspartic acid at codon 2723 is replaced by valine, an amino acid with highly dissimilar properties. In one study, this variant was detected in one breast and/or ovarian cancer family from Eastern Spain that also had family members affected with lung cancer and colon cancer (Esteban Carde&ntilde;osa E et al. Breast Cancer Res. Treat. 2008; 112:69-73). This alteration was defective in homology-directed repair assays (Guidugli L et al. Am. J. Hum. Genet., 2018 Jan; Hart SN et al. Genet. Med., 2019 01;21:71-80). This variant occurs in a structural hotspot region of the protein and is predicted to destabilize the protein and disrupt the native protein-protein (BRCA2-DSS1) interaction (Yang et al. Science. 2002; 297(5588):1837-48). Another alteration at this codon (p.D2723G) has been classified as pathogenic (odds in favor of pathogenicity 121:1) by multifactorial analysis, which integrates the following lines of evidence to produce a quantitative likelihood of pathogenicity: in silico prediction models, segregation with disease, tumor characteristics, mutation co-occurrence, and functional assay results (Easton D et al. Am J Hum Genet. 2007;81:873-883). Using a similar approach, another alteration at this codon (p.D2723H), has been classified as pathogenic (p>0.99) (Vallee M et al. Hum Mutat. 2012 Jan;33(1):22-8). This amino acid position is highly conserved in available vertebrate species. In addition, this alteration is predicted to be deleterious by in silico analysis. Of note, this alteration is also referred to as 8396A>T in some literature. Based on the supporting evidence, this alteration is interpreted as a disease-causing mutation.

CHEO Genetics Diagnostic Laboratory, Children's Hospital of Eastern Ontario
Classification: Likely pathogenic for Breast and/or ovarian cancer. Last evaluated: 2022-11-09. Review status: criteria provided, single submitter. Criteria: ACMG Guidelines, 2015. Collection method: clinical testing. Allele origin: germline.

National Health Laboratory Service, Universitas Academic Hospital and University of the Free State
Classification: Likely pathogenic for Hereditary breast ovarian cancer syndrome. Last evaluated: 2021-11-16. Review status: criteria provided, single submitter. Criteria: ACMG Guidelines, 2015. Collection method: clinical testing. Allele origin: germline. Affected: yes. Observed: 1 variant allele.

Cancer Variant Interpretation Group UK, Institute of Cancer Research, London
Classification: Pathogenic for Hereditary Breast and Ovarian Cancer. Last evaluated: 2018-11-23. Review status: criteria provided, single submitter. Criteria: ACMG Guidelines, 2015. Collection method: curation. Allele origin: germline.
Comment: Data used in classification: The frequency of this variant is 0/138,632 individuals (gnomAD) (PM2_mod). This variant is predicted deleterious on AlignGVGD (class: C65), SIFT (Deleterious), Polyphen2 HumVar (probably damaging) and CADD (18.58) (PP3_sup). This variant is at same codon as an established pathogenic variant on ClinVar (c.8168A>G p.Asp2723Gly) (PM5_mod). The variant is in the DNA-binding domain of BRCA2 (PM1_sup).In the VarCall Bayesian statistical model for VUS classification using functional assay data (Guidugli et al Am J Hum Genet 2018; 102:233-248, Couch Lab), the variant has a probability of being deleterious of 0.997 and an overall classification of pathogenic (PS3_strong). This variant is classified on ClinVar as Likely Pathogenic by accredited diagnostic USA laboratories GeneDx (2015) and Ambry Genetics (2016) (PP5_sup) Data not used in classification: There are additional reports of this variant in UMD (3).

Center for Reproductive Medicine, Shandong Provincial Hospital Affiliated to Shandong University
Classification: Pathogenic for Genetic non-acquired premature ovarian failure. Last evaluated: 2018-10-01. Review status: no assertion criteria provided. Collection method: literature only. Allele origin: unknown. Affected: yes. Observed: 1 variant allele. Not counted in ClinVar's aggregate classification.

Diagnostic Laboratory, Department of Genetics, University Medical Center Groningen
Classification: Likely pathogenic. Review status: no assertion criteria provided. Collection method: clinical testing. Allele origin: germline. Affected: yes. Study: VKGL Data-share Consensus. Not counted in ClinVar's aggregate classification.

Joint Genome Diagnostic Labs from Nijmegen and Maastricht, Radboudumc and MUMC+
Classification: Likely pathogenic. Review status: no assertion criteria provided. Collection method: clinical testing. Allele origin: germline. Affected: yes. Study: VKGL Data-share Consensus. Not counted in ClinVar's aggregate classification.

Literature cited by the submitters: PubMed 35464868 (cited by Quest Diagnostics Nichols Institute San Juan Capistrano); PubMed 36721989 (cited by Quest Diagnostics Nichols Institute San Juan Capistrano); PubMed 36367610 (cited by Quest Diagnostics Nichols Institute San Juan Capistrano); PubMed 36732629 (cited by Quest Diagnostics Nichols Institute San Juan Capistrano); PubMed 37719058 (cited by Quest Diagnostics Nichols Institute San Juan Capistrano); PubMed 37528630 (cited by Quest Diagnostics Nichols Institute San Juan Capistrano); PubMed 35736817 (cited by Quest Diagnostics Nichols Institute San Juan Capistrano); PubMed 39684258 (cited by Quest Diagnostics Nichols Institute San Juan Capistrano); PubMed 11802209 (cited by Quest Diagnostics Nichols Institute San Juan Capistrano and Labcorp Genetics (formerly Invitae), Labcorp); PubMed 33609447 (cited by Quest Diagnostics Nichols Institute San Juan Capistrano and Labcorp Genetics (formerly Invitae), Labcorp); PubMed 18060494 (cited by 3 submitters); PubMed 12601471 (cited by Quest Diagnostics Nichols Institute San Juan Capistrano and Labcorp Genetics (formerly Invitae), Labcorp); PubMed 29394989 (cited by 4 submitters); PubMed 22505045 (cited by 3 submitters); PubMed 29884841 (cited by Labcorp Genetics (formerly Invitae), Labcorp and Ambry Genetics); PubMed 17924331 (cited by Labcorp Genetics (formerly Invitae), Labcorp); PubMed 21990134 (cited by Labcorp Genetics (formerly Invitae), Labcorp); PubMed 24052750 (cited by Labcorp Genetics (formerly Invitae), Labcorp); PubMed 15290653 (cited by Ambry Genetics); PubMed 18951461 (cited by Ambry Genetics); DOI 10.3389/fgene.2022.834265 (cited by National Health Laboratory Service, Universitas Academic Hospital and University of the Free State); PubMed 24323938 (cited by Center for Reproductive Medicine, Shandong Provincial Hospital Affiliated to Shandong University).